The following is an entry in ClinVar:

ClinVar aggregate classification (germline): Uncertain significance (1 of 4 stars; one submission).

Allele frequency attached by ClinVar (database versions not stated): gnomAD exomes 0.00002; gnomAD 0.00009; ExAC 0.00010; TOPMed 0.00014; 1000 Genomes Project 30x 0.00016; 1000 Genomes Project 0.00020.
gnomAD v4.1: 120 of 1,614,020 alleles (0.0074%); highest among the groups gnomAD compares: East Asian, 0.069%; 3 homozygotes.

Submission:

Ambry Genetics
Classification: Uncertain significance. Last evaluated: 2024-09-26. Review status: criteria provided, single submitter. Criteria: Ambry Variant Classification Scheme 2023. Collection method: clinical testing. Allele origin: germline.
Comment: The p.A516V variant (also known as c.1547C>T), located in coding exon 3 of the ALPK2 gene, results from a C to T substitution at nucleotide position 1547. The alanine at codon 516 is replaced by valine, an amino acid with similar properties. This amino acid position is conserved. In addition, this alteration is predicted to be tolerated by in silico analysis. Since supporting evidence is limited at this time, the clinical significance of this alteration remains unclear.

NM_052947.4(ALPK2):c.1547C>T (p.Ala516Val)

Gene: ALPK2 (alpha kinase 2; minus strand). Cytogenetic location: 18q21.31.
Variant type: single nucleotide variant.
Coding change: c.1547C>T on transcript NM_052947.4 (MANE Select); coding-DNA position 1547, C replaced by T.
Protein change: p.Ala516Val; replaces alanine 516 with valine.
Molecular consequence: missense variant.
Genome position (GRCh38, 1-based): chr18:58,579,229, G>A on the plus strand (C>T on the coding strand, the complement: ALPK2 is on the minus strand). VCF-style: chr18-58579229-G-A. GRCh37 (hg19) VCF-style: chr18-56246461-G-A.
Other names: short protein forms A516V.
Identifiers: ClinVar variation 1774958 (VCV001774958.3), dbSNP rs372259071, ClinGen allele CA8977233.